The following is an entry in ClinVar:

ClinVar aggregate classification (germline): Likely pathogenic (1 of 4 stars; one submission).

Allele frequency attached by ClinVar (database versions not stated): gnomAD exomes below 0.00001.

Submission:

Labcorp Genetics (formerly Invitae), Labcorp
Classification: Likely pathogenic. Last evaluated: 2022-11-29. Review status: criteria provided, single submitter. Criteria: Invitae Variant Classification Sherloc (09022015). Collection method: clinical testing. Allele origin: germline.
Comment: This variant disrupts the p.Val84 amino acid residue in GJB2. Other variant(s) that disrupt this residue have been determined to be pathogenic (PMID: 11556849, 12172394, 16380907, 19235794, 24013081, 26346709). This suggests that this residue is clinically significant, and that variants that disrupt this residue are likely to be disease-causing. Advanced modeling of protein sequence and biophysical properties (such as structural, functional, and spatial information, amino acid conservation, physicochemical variation, residue mobility, and thermodynamic stability) performed at Invitae indicates that this missense variant is expected to disrupt GJB2 protein function. This missense change has been observed in individual(s) with autosomal recessive deafness (PMID: 21388256). This variant is not present in population databases (gnomAD no frequency). This sequence change replaces valine, which is neutral and non-polar, with alanine, which is neutral and non-polar, at codon 84 of the GJB2 protein (p.Val84Ala). In summary, the currently available evidence indicates that the variant is pathogenic, but additional data are needed to prove that conclusively. Therefore, this variant has been classified as Likely Pathogenic.

Literature cited by the submitters: PubMed 11556849; PubMed 12172394; PubMed 16380907; PubMed 19235794; PubMed 24013081; PubMed 26346709; PubMed 21388256.

NM_004004.6(GJB2):c.251T>C (p.Val84Ala)

Gene: GJB2 (gap junction protein beta 2; minus strand). Cytogenetic location: 13q12.11.
Variant type: single nucleotide variant.
Coding change: c.251T>C on transcript NM_004004.6 (MANE Select); coding-DNA position 251, T replaced by C.
Protein change: p.Val84Ala; replaces valine 84 with alanine.
Molecular consequence: missense variant.
Genome position (GRCh38, 1-based): chr13:20,189,331, A>G on the plus strand (T>C on the coding strand, the complement: GJB2 is on the minus strand). VCF-style: chr13-20189331-A-G. GRCh37 (hg19) VCF-style: chr13-20763470-A-G.
Other names: short protein forms V84A.
Identifiers: ClinVar variation 2137459 (VCV002137459.4), dbSNP rs2500251812, ClinGen allele CA387461539.
Genomic context (GRCh38, chr13:20,189,331, plus strand): 5'-CTCTTCTTCTCATGTCTCCGGTAGGCCACGTGCATGGCCACTAGGAGCGCTGGCGTGGAC[A>G]CGAAGATCAGCTGCAGGGCCCATAGCCGGATGTGGGAGATGGGGAAGTAGTGATCGTAGC-3'
Protein context (NP_003995.2, residues 74-94): IRLWALQLIF[Val84Ala]STPALLVAMH